The following is an entry in ClinVar:

ClinVar aggregate classification (germline): Uncertain significance (1 of 4 stars; one submission).

Conditions:
Familial acute necrotizing encephalopathy (IIAE3). Also called: ENCEPHALOPATHY, ACUTE, INFECTION-INDUCED, SUSCEPTIBILITY TO, 3; Susceptibility to Acute Necrotizing Encephalopathy 1. Identifiers: Orphanet 88619, MedGen C2675556, MONDO:0011953, OMIM 608033.

gnomAD v4.1: 3 of 1,612,030 alleles (0.00019%); highest among the groups gnomAD compares: Non-Finnish European, 0.00017%; no homozygotes.

Submission:

Labcorp Genetics (formerly Invitae), Labcorp
Classification: Uncertain significance for Familial acute necrotizing encephalopathy. Last evaluated: 2025-12-09. Review status: criteria provided, single submitter. Criteria: Invitae Variant Classification Sherloc (09022015). Collection method: clinical testing. Allele origin: germline.
Comment: This sequence change replaces histidine, which is basic and polar, with arginine, which is basic and polar, at codon 568 of the RANBP2 protein (p.His568Arg). This variant is present in population databases (no rsID available, gnomAD 0.0009%). This variant has not been reported in the literature in individuals affected with RANBP2-related conditions. An algorithm developed to predict the effect of missense changes on protein structure and function (PolyPhen-2) suggests that this variant is likely to be tolerated. In summary, the available evidence is currently insufficient to determine the role of this variant in disease. Therefore, it has been classified as a Variant of Uncertain Significance.

NM_006267.5(RANBP2):c.1703A>G (p.His568Arg)

Gene: RANBP2 (RAN binding protein 2; plus strand). Cytogenetic location: 2q13.
Variant type: single nucleotide variant.
Coding change: c.1703A>G on transcript NM_006267.5 (MANE Select); coding-DNA position 1703, A replaced by G.
Protein change: p.His568Arg; replaces histidine 568 with arginine.
Molecular consequence: missense variant.
Genome position (GRCh38, 1-based): chr2:108,751,942, A>G. VCF-style: chr2-108751942-A-G. GRCh37 (hg19) VCF-style: chr2-109368398-A-G.
Other names: c.1703A>G, p.His568Arg (NM_001415871.1, NM_001415873.1); c.1700A>G, p.His567Arg (NM_001415872.1); short protein forms H568R, H567R.
Identifiers: ClinVar variation 4750025 (VCV004750025.1).
Genomic context (GRCh38, chr2:108,751,942, plus strand): 5'-TAGCAAAATTGAGACTTCTAGTTCAGCATGAAATAAACACTCTAAGAGCCCAGGAAAAAC[A>G]TGGCCTTCAACCTGCTCTGCTTGTACATTGGGCAGAATGCCTTCAGAAAACGGTGAGTTT-3'
Protein context (NP_006258.3, residues 558-578): EINTLRAQEK[His568Arg]GLQPALLVHW